The following is an entry in ClinVar:

ClinVar aggregate classification (germline): Benign/Likely benign. Review status: criteria provided, multiple submitters, no conflicts (2 of 4 stars). 5 submissions from 5 submitters: Benign (2); Likely benign (3). Last evaluated 2026-07-01.

Conditions:
Hearing loss, autosomal dominant 73. Also called: DEAFNESS, AUTOSOMAL DOMINANT 73. Identifiers: MedGen C4540024, MONDO:0033260, OMIM 617663.
Autosomal recessive nonsyndromic hearing loss 84A. Also called: DEAFNESS, AUTOSOMAL RECESSIVE 84A; DEAFNESS, AUTOSOMAL RECESSIVE 84A, WITH VESTIBULAR DYSFUNCTION. Identifiers: Orphanet 90636, MedGen C3150654, MONDO:0013249, OMIM 613391.

Allele frequency attached by ClinVar (database versions not stated): 1000 Genomes Project 0.00100; 1000 Genomes Project 30x 0.00109; ExAC 0.00410; TOPMed 0.00425; gnomAD exomes 0.00496 and 0.00564; gnomAD 0.00556 and 0.00581; ESP Exome Variant Server 0.00745.
gnomAD v4.1: 8,680 of 1,546,136 alleles (0.56%); highest among the groups gnomAD compares: Non-Finnish European, 0.62%; 48 homozygotes.

Submissions (5):

CeGaT Center for Human Genetics Tuebingen
Classification: Likely benign. Last evaluated: 2026-07-01. Review status: criteria provided, single submitter. Criteria: CeGaT Center For Human Genetics Tuebingen Variant Classification Criteria Version 2. Collection method: clinical testing. Allele origin: germline. Affected: yes. Observed: 14 variant alleles.
Comment: PTPRQ: BP4, BP7, BS2

Fulgent Genetics
Classification: Benign for Autosomal recessive nonsyndromic hearing loss 84A; Hearing loss, autosomal dominant 73. Last evaluated: 2021-08-12. Review status: criteria provided, single submitter. Criteria: ACMG Guidelines, 2015. Collection method: clinical testing. Allele origin: unknown.

GeneDx
Classification: Likely benign. Last evaluated: 2021-01-07. Review status: criteria provided, single submitter. Criteria: GeneDx Variant Classification Process June 2021. Collection method: clinical testing. Allele origin: germline. Affected: yes.

Athena Diagnostics
Classification: Benign. Last evaluated: 2019-03-13. Review status: criteria provided, single submitter. Criteria: Athena Diagnostics Criteria. Collection method: clinical testing. Allele origin: germline.

Breakthrough Genomics
Classification: Likely benign. Review status: criteria provided, single submitter. Criteria: ACMG Guidelines, 2015. Collection method: not provided. Allele origin: germline. Inheritance: Autosomal recessive inheritance. Affected: yes.

NM_001145026.2(PTPRQ):c.5061T>C (p.Pro1687=)

Gene: PTPRQ (protein tyrosine phosphatase receptor type Q; plus strand). Cytogenetic location: 12q21.31.
Variant type: single nucleotide variant.
Coding change: c.5061T>C on transcript NM_001145026.2 (MANE Select); coding-DNA position 5061, T replaced by C.
Protein change: p.Pro1687=; no amino-acid change (proline 1687 retained).
Molecular consequence: synonymous variant.
Genome position (GRCh38, 1-based): chr12:80,613,734, T>C. VCF-style: chr12-80613734-T-C. GRCh37 (hg19) VCF-style: chr12-81007513-T-C.
Identifiers: ClinVar variation 805264 (VCV000805264.28), dbSNP rs186848048, ClinGen allele CA6702783.